The following is an entry in ClinVar:

NM_001481.3(DRC4):c.838G>A (p.Ala280Thr)

Gene: DRC4 (dynein regulatory complex subunit 4; plus strand). Cytogenetic location: 16q24.3.
Variant type: single nucleotide variant.
Coding change: c.838G>A on transcript NM_001481.3 (MANE Select); coding-DNA position 838, G replaced by A.
Protein change: p.Ala280Thr; replaces alanine 280 with threonine.
Molecular consequence: missense variant.
Genome position (GRCh38, 1-based): chr16:90,037,313, G>A. VCF-style: chr16-90037313-G-A. GRCh37 (hg19) VCF-style: chr16-90103721-G-A.
Other names: c.589G>A, p.Ala197Thr (NM_001286205.2); c.262G>A, p.Ala88Thr (NM_001286208.2); c.763G>A, p.Ala255Thr (NM_001286209.2); short protein forms A197T, A88T, A255T, A280T.
Identifiers: ClinVar variation 847340 (VCV000847340.11), dbSNP rs150069321, ClinGen allele CA8257995.

ClinVar aggregate classification (germline): Uncertain significance. Review status: criteria provided, multiple submitters, no conflicts (2 of 4 stars). 2 submissions from 2 submitters: Uncertain significance (2). Last evaluated 2023-04-07.

Conditions:
Inborn genetic diseases. Identifiers: MedGen C0950123, MeSH D030342.
Primary ciliary dyskinesia 33. Also called: CILIARY DYSKINESIA, PRIMARY, 33, WITHOUT SITUS INVERSUS. Identifiers: Orphanet 244, MedGen C4225230, MONDO:0014750, OMIM 616726.

Allele frequency attached by ClinVar (database versions not stated): gnomAD exomes 0.00001 and 0.00004; gnomAD 0.00002; TOPMed 0.00003; ExAC 0.00005; ESP Exome Variant Server 0.00015.
gnomAD v4.1: 22 of 1,613,896 alleles (0.0014%); highest among the groups gnomAD compares: Non-Finnish European, 0.0016%; no homozygotes.

Submissions (2):

Ambry Genetics
Classification: Uncertain significance for Inborn genetic diseases. Last evaluated: 2023-04-07. Review status: criteria provided, single submitter. Criteria: Ambry Variant Classification Scheme 2023. Collection method: clinical testing. Allele origin: germline.

Labcorp Genetics (formerly Invitae), Labcorp
Classification: Uncertain significance for Primary ciliary dyskinesia 33. Last evaluated: 2019-01-25. Review status: criteria provided, single submitter. Criteria: Invitae Variant Classification Sherloc (09022015). Collection method: clinical testing. Allele origin: germline.
Comment: In summary, the available evidence is currently insufficient to determine the role of this variant in disease. Therefore, it has been classified as a Variant of Uncertain Significance. Algorithms developed to predict the effect of missense changes on protein structure and function output the following: SIFT: "Tolerated"; PolyPhen-2: "Benign"; Align-GVGD: "Class C0". The threonine amino acid residue is found in multiple mammalian species, suggesting that this missense change does not adversely affect protein function. These predictions have not been confirmed by published functional studies and their clinical significance is uncertain. This variant has not been reported in the literature in individuals with GAS8-related conditions. This variant is present in population databases (rs150069321, ExAC 0.009%). This sequence change replaces alanine with threonine at codon 280 of the GAS8 protein (p.Ala280Thr). The alanine residue is weakly conserved and there is a small physicochemical difference between alanine and threonine.